The following is an entry in ClinVar:

ClinVar aggregate classification (germline): Benign. Review status: criteria provided, multiple submitters, no conflicts (2 of 4 stars). 2 submissions from 2 submitters: Benign (2). Last evaluated 2018-01-12.

Conditions:
Deficiency of hyaluronoglucosaminidase (MPS9). Also called: MPS IX; Mucopolysaccharidosis type 9; HYALURONIDASE DEFICIENCY. Identifiers: Orphanet 67041, MedGen C1291490, MONDO:0011093, OMIM 601492.

Allele frequency attached by ClinVar (database versions not stated): 1000 Genomes Project 0.16653; gnomAD 0.05427 and 0.04741; TOPMed 0.07188; 1000 Genomes Project 30x 0.15943.

Submissions (2):

Illumina Laboratory Services, Illumina
Classification: Benign for Deficiency of hyaluronoglucosaminidase. Last evaluated: 2018-01-12. Review status: criteria provided, single submitter. Criteria: ICSL Variant Classification Criteria 13 December 2019. Collection method: clinical testing. Allele origin: germline.
Comment: This variant was observed in the ICSL laboratory as part of a predisposition screen in an ostensibly healthy population. It had not been previously curated by ICSL or reported in the Human Gene Mutation Database (HGMD: prior to June 1st, 2018), and was therefore a candidate for classification through an automated scoring system. Utilizing variant allele frequency, disease prevalence and penetrance estimates, and inheritance mode, an automated score was calculated to assess if this variant is too frequent to cause the disease. Based on the score and internal cut-off values, a variant classified as benign is not then subjected to further curation. The score for this variant resulted in a classification of benign for this disease.

Breakthrough Genomics
Classification: Benign. Review status: criteria provided, single submitter. Criteria: ACMG Guidelines, 2015. Collection method: not provided. Allele origin: germline. Inheritance: Autosomal recessive inheritance. Affected: yes.

NM_153281.2(HYAL1):c.-132G>A

Gene: HYAL1 (hyaluronidase 1; minus strand). Cytogenetic location: 3p21.31.
Variant type: single nucleotide variant.
Coding change: c.-132G>A on transcript NM_153281.2; 132 bases upstream of the start codon, G replaced by A.
Molecular consequence: 5 prime UTR variant.
Genome position (GRCh38, 1-based): chr3:50,303,895, C>T on the plus strand (G>A on the coding strand, the complement: HYAL1 is on the minus strand). VCF-style: chr3-50303895-C-T. GRCh37 (hg19) VCF-style: chr3-50341326-C-T.
Identifiers: ClinVar variation 346093 (VCV000346093.8), dbSNP rs12488302, ClinGen allele CA10619200.
Genomic context (GRCh38, chr3:50,303,895, plus strand): 5'-TTTGTGACACTGGAGACCGGGTTCTTTCGTGTCTTGTGCTCAGGGAGTGTTCTTTGTCCA[C>T]GTGGCTGCATCTGACATTGATGGGCCCTAGGCACTTTACTTTCGTGGATCTTTTCCTCCT-3'